The following is an entry in ClinVar:

NM_002018.4(FLII):c.1382_1383+1del

Gene: FLII (FLII actin remodeling protein; minus strand). Cytogenetic location: 17p11.2.
Variant type: Microsatellite.
Coding change: c.1382_1383+1del on transcript NM_002018.4 (MANE Select); coding-DNA position 1382 through the canonical splice donor site of the intron after coding-DNA position 1383, 3 bases deleted (AGG; older notation c.1382_1383+1delAGG).
Molecular consequence: splice donor variant.
Genome position (GRCh38, 1-based): chr17:18,251,679-18,251,681, CCT deleted on the plus strand (AGG on the coding strand, the reverse complement: FLII is on the minus strand); deleting any 3 consecutive bases within chr17:18,251,679-18,251,684 gives the same sequence; the c. name uses the placement nearest the transcript's 3' end. VCF-style (leftmost placement, unchanged base first): chr17-18251678-ACCT-A. GRCh37 (hg19) VCF-style: chr17-18154992-ACCT-A.
Other names: c.1382_1383+1delAGG (NM_002018.4); c.1349_1350+1del (NM_001256264.2); c.1217_1218+1del (NM_001256265.2).
Identifiers: ClinVar variation 4849343 (VCV004849343.1).

ClinVar aggregate classification (germline): Likely pathogenic (1 of 4 stars; one submission).

Conditions:
Cardiomyopathy, dilated, 2j. Identifiers: MedGen C5882725, MONDO:0957984, OMIM 620635.

Submission:

First Genomix Gene Laboratory, Genetic Diagnostics Department
Classification: Likely pathogenic for Cardiomyopathy, dilated, 2j. Last evaluated: 2025-04-11. Review status: criteria provided, single submitter. Criteria: ACMG Guidelines, 2015. Collection method: clinical testing. Allele origin: germline. Inheritance: Autosomal recessive inheritance. Affected: no. Observed: 1 variant allele.